The following is an entry in ClinVar:

ClinVar aggregate classification (germline): Uncertain significance. Review status: criteria provided, multiple submitters, no conflicts (2 of 4 stars). 2 submissions from 2 submitters: Uncertain significance (2). Last evaluated 2023-08-20.

Conditions:
Dyskeratosis congenita, autosomal dominant 2. Identifiers: MedGen C3151443, MONDO:0013521, OMIM 613989.
Idiopathic Pulmonary Fibrosis. Also called: Idiopathic fibrosing alveolitis, chronic form; idiopathic fibrosing alveolitis. Identifiers: Orphanet 2032, MedGen C1800706, MeSH D054990, MONDO:0800504.
Dyskeratosis congenita. Identifiers: Orphanet 1775, MedGen C0265965, MONDO:0015780.

Allele frequency attached by ClinVar (database versions not stated): gnomAD exomes below 0.00001.
gnomAD v4.1: 1 of 1,557,704 alleles (0.000064%); highest among the groups gnomAD compares: Non-Finnish European, 0.000087%; no homozygotes.

Submissions (2):

Labcorp Genetics (formerly Invitae), Labcorp
Classification: Uncertain significance for Dyskeratosis congenita, autosomal dominant 2; Idiopathic Pulmonary Fibrosis. Last evaluated: 2023-08-20. Review status: criteria provided, single submitter. Criteria: Invitae Variant Classification Sherloc (09022015). Collection method: clinical testing. Allele origin: germline.
Comment: In summary, the available evidence is currently insufficient to determine the role of this variant in disease. Therefore, it has been classified as a Variant of Uncertain Significance. Algorithms developed to predict the effect of missense changes on protein structure and function output the following: SIFT: "Not Available"; PolyPhen-2: "Benign"; Align-GVGD: "Not Available". The leucine amino acid residue is found in multiple mammalian species, which suggests that this missense change does not adversely affect protein function. ClinVar contains an entry for this variant (Variation ID: 2454070). This variant has not been reported in the literature in individuals affected with TERT-related conditions. This variant is not present in population databases (gnomAD no frequency). This sequence change replaces proline, which is neutral and non-polar, with leucine, which is neutral and non-polar, at codon 376 of the TERT protein (p.Pro376Leu).

Ambry Genetics
Classification: Uncertain significance for Dyskeratosis congenita. Last evaluated: 2022-12-16. Review status: criteria provided, single submitter. Criteria: Ambry Variant Classification Scheme 2023. Collection method: clinical testing. Allele origin: germline.
Comment: The p.P376L variant (also known as c.1127C>T), located in coding exon 2 of the TERT gene, results from a C to T substitution at nucleotide position 1127. The proline at codon 376 is replaced by leucine, an amino acid with similar properties. This amino acid position is conserved. In addition, this alteration is predicted to be tolerated by in silico analysis. Since supporting evidence is limited at this time, the clinical significance of this alteration remains unclear.

NM_198253.3(TERT):c.1127C>T (p.Pro376Leu)

Gene: TERT (telomerase reverse transcriptase; minus strand). Cytogenetic location: 5p15.33.
Variant type: single nucleotide variant.
Coding change: c.1127C>T on transcript NM_198253.3 (MANE Select); coding-DNA position 1127, C replaced by T.
Protein change: p.Pro376Leu; replaces proline 376 with leucine.
Molecular consequence: missense variant. On other transcripts: non-coding transcript variant (2).
Genome position (GRCh38, 1-based): chr5:1,293,759, G>A on the plus strand (C>T on the coding strand, the complement: TERT is on the minus strand). VCF-style: chr5-1293759-G-A. GRCh37 (hg19) VCF-style: chr5-1293874-G-A.
Other names: c.1127C>T, p.Pro376Leu (NM_001193376.3, NM_003219.1); short protein forms P376L.
Identifiers: ClinVar variation 2454070 (VCV002454070.5), dbSNP rs2478414334, ClinGen allele CA359055400.
Genomic context (GRCh38, chr5:1,293,759, plus strand): 5'-AGCTCCAGAAACAGGGGCCGCATTTGCCAGTAGCGCTGGGGCAGGCGGGGCAACCTGCGG[G>A]GAGTCCCTGGCATCCAGGGCCTGGAACCCAGAAAGATGGTCTCCACGAGCCTCCGAGCGC-3'
Protein context (NP_937983.2, residues 366-386): LGSRPWMPGT[Pro376Leu]RRLPRLPQRY